The following is an entry in ClinVar:

NM_024741.3(ZNF408):c.598G>C (p.Ala200Pro)

Gene: ZNF408 (zinc finger protein 408; plus strand). Cytogenetic location: 11p11.2.
Variant type: single nucleotide variant.
Coding change: c.598G>C on transcript NM_024741.3 (MANE Select); coding-DNA position 598, G replaced by C.
Protein change: p.Ala200Pro; replaces alanine 200 with proline.
Molecular consequence: missense variant.
Genome position (GRCh38, 1-based): chr11:46,703,189, G>C. VCF-style: chr11-46703189-G-C. GRCh37 (hg19) VCF-style: chr11-46724739-G-C.
Other names: c.574G>C, p.Ala192Pro (NM_001184751.2); short protein forms A192P, A200P.
Identifiers: ClinVar variation 3651160 (VCV003651160.2).

ClinVar aggregate classification (germline): Uncertain significance (1 of 4 stars; one submission).

gnomAD v4.1: 1 of 1,613,392 alleles (0.000062%); highest among the groups gnomAD compares: African/African-American, 0.0013%; no homozygotes.

Submission:

Labcorp Genetics (formerly Invitae), Labcorp
Classification: Uncertain significance. Last evaluated: 2024-05-01. Review status: criteria provided, single submitter. Criteria: Invitae Variant Classification Sherloc (09022015). Collection method: clinical testing. Allele origin: germline.
Comment: This sequence change replaces alanine, which is neutral and non-polar, with proline, which is neutral and non-polar, at codon 200 of the ZNF408 protein (p.Ala200Pro). This variant is not present in population databases (gnomAD no frequency). This variant has not been reported in the literature in individuals affected with ZNF408-related conditions. Algorithms developed to predict the effect of missense changes on protein structure and function output the following: SIFT: "Not Available"; PolyPhen-2: "Benign"; Align-GVGD: "Not Available". The proline amino acid residue is found in multiple mammalian species, which suggests that this missense change does not adversely affect protein function. In summary, the available evidence is currently insufficient to determine the role of this variant in disease. Therefore, it has been classified as a Variant of Uncertain Significance.